The following is an entry in ClinVar:

NM_058216.3(RAD51C):c.1117G>A (p.Glu373Lys)

Gene: RAD51C (RAD51 paralog C; plus strand). Cytogenetic location: 17q22.
Variant type: single nucleotide variant.
Coding change: c.1117G>A on transcript NM_058216.3 (MANE Select); coding-DNA position 1117, G replaced by A.
Protein change: p.Glu373Lys; replaces glutamic acid 373 with lysine.
Molecular consequence: missense variant. On other transcripts: non-coding transcript variant (1).
Genome position (GRCh38, 1-based): chr17:58,734,208, G>A. VCF-style: chr17-58734208-G-A. GRCh37 (hg19) VCF-style: chr17-56811569-G-A.
Other names: c.1117G>A (NM_058216.1); short protein forms E373K.
Identifiers: ClinVar variation 581698 (VCV000581698.20), dbSNP rs1433497291, ClinGen allele CA400366605.

ClinVar aggregate classification (germline): Conflicting classifications of pathogenicity. Review status: criteria provided, conflicting classifications (1 of 4 stars). 5 submissions from 5 submitters: Uncertain significance (4); Benign (1). Last evaluated 2025-12-22.

Conditions:
Hereditary cancer-predisposing syndrome. Also called: Neoplastic Syndromes, Hereditary; Hereditary Cancer Syndrome; Hereditary neoplastic syndrome; Tumor predisposition. Identifiers: Orphanet 140162, MedGen C0027672, MeSH D009386, MONDO:0015356.
Fanconi anemia complementation group O. Also called: RAD51C-Related Fanconi Anemia. Identifiers: Orphanet 84, MedGen C3150653, MONDO:0013248, OMIM 613390.
Breast-ovarian cancer, familial, susceptibility to, 3. Also called: RAD51C-Related Breast/Ovarian Cancer. Identifiers: Orphanet 145, MedGen C3150659, MONDO:0013253, OMIM 613399.

Allele frequency attached by ClinVar (database versions not stated): gnomAD 0.00002; gnomAD exomes below 0.00001; TOPMed 0.00001.
gnomAD v4.1: 4 of 1,611,924 alleles (0.00025%); highest among the groups gnomAD compares: Non-Finnish European, 0.00034%; no homozygotes.

Submissions (5):

Labcorp Genetics (formerly Invitae), Labcorp
Classification: Uncertain significance for Fanconi anemia complementation group O. Last evaluated: 2025-12-22. Review status: criteria provided, single submitter. Criteria: Invitae Variant Classification Sherloc (09022015). Collection method: clinical testing. Allele origin: germline.
Comment: This sequence change replaces glutamic acid, which is acidic and polar, with lysine, which is basic and polar, at codon 373 of the RAD51C protein (p.Glu373Lys). This variant is not present in population databases (gnomAD no frequency). This variant has not been reported in the literature in individuals affected with RAD51C-related conditions. ClinVar contains an entry for this variant (Variation ID: 581698). An algorithm developed to predict the effect of missense changes on protein structure and function (PolyPhen-2) suggests that this variant is likely to be tolerated. In summary, the available evidence is currently insufficient to determine the role of this variant in disease. Therefore, it has been classified as a Variant of Uncertain Significance.

Ambry Genetics
Classification: Benign for Hereditary cancer-predisposing syndrome. Last evaluated: 2025-10-09. Review status: criteria provided, single submitter. Criteria: Ambry Variant Classification Scheme 2023. Collection method: clinical testing. Allele origin: germline.

GeneDx
Classification: Uncertain significance. Last evaluated: 2024-10-04. Review status: criteria provided, single submitter. Criteria: GeneDx Variant Classification Process June 2021. Collection method: clinical testing. Allele origin: germline.
Comment: Not observed at significant frequency in large population cohorts (gnomAD); In silico analysis indicates that this missense variant does not alter protein structure/function; Has not been previously published as pathogenic or benign to our knowledge; This variant is associated with the following publications: (PMID: 14704354)

Color Diagnostics, LLC DBA Color Health
Classification: Uncertain significance for Hereditary cancer-predisposing syndrome. Last evaluated: 2024-03-06. Review status: criteria provided, single submitter. Criteria: ACMG Guidelines, 2015. Collection method: clinical testing. Allele origin: germline.
Comment: This missense variant replaces glutamic acid with lysine at codon 373 of the RAD51C protein. Computational prediction tool suggests that this variant may not impact protein structure and function (internally defined REVEL score threshold <=0.5, PMID: 27666373). Splice site prediction tools suggest that this variant may not impact RNA splicing. To our knowledge, functional studies have not been performed for this variant. This variant has not been reported in individuals affected with hereditary cancer in the literature. This variant has not been identified in the general population by the Genome Aggregation Database (gnomAD). The available evidence is insufficient to determine the role of this variant in disease conclusively. Therefore, this variant is classified as a Variant of Uncertain Significance.

Baylor Genetics
Classification: Uncertain significance for Breast-ovarian cancer, familial, susceptibility to, 3. Last evaluated: 2023-10-26. Review status: criteria provided, single submitter. Criteria: ACMG Guidelines, 2015. Collection method: clinical testing. Allele origin: unknown.